The following is an entry in ClinVar:

NM_002661.5(PLCG2):c.2339A>G (p.Tyr780Cys)

Gene: PLCG2 (phospholipase C gamma 2; plus strand). Cytogenetic location: 16q23.3.
Variant type: single nucleotide variant.
Coding change: c.2339A>G on transcript NM_002661.5 (MANE Select); coding-DNA position 2339, A replaced by G.
Protein change: p.Tyr780Cys; replaces tyrosine 780 with cysteine.
Molecular consequence: missense variant.
Genome position (GRCh38, 1-based): chr16:81,923,516, A>G. VCF-style: chr16-81923516-A-G. GRCh37 (hg19) VCF-style: chr16-81957121-A-G.
Other names: c.2339A>G, p.Tyr780Cys (NM_001425749.1, NM_001425750.1, NM_001425751.1); short protein forms Y780C.
Identifiers: ClinVar variation 2750542 (VCV002750542.3), dbSNP rs2507712570, ClinGen allele CA396902443.

ClinVar aggregate classification (germline): Uncertain significance (1 of 4 stars; one submission).

Conditions:
Familial cold autoinflammatory syndrome 3 (FCAS3). Also called: ANTIBODY DEFICIENCY AND IMMUNE DYSREGULATION, PLCG2-ASSOCIATED; FAMILIAL ATYPICAL COLD URTICARIA. Identifiers: Orphanet 300359, MedGen C3280914, MONDO:0013766, OMIM 614468.

Submission:

Labcorp Genetics (formerly Invitae), Labcorp
Classification: Uncertain significance for Familial cold autoinflammatory syndrome 3. Last evaluated: 2023-11-21. Review status: criteria provided, single submitter. Criteria: Invitae Variant Classification Sherloc (09022015). Collection method: clinical testing. Allele origin: germline.
Comment: This sequence change replaces tyrosine, which is neutral and polar, with cysteine, which is neutral and slightly polar, at codon 780 of the PLCG2 protein (p.Tyr780Cys). This variant is not present in population databases (gnomAD no frequency). This variant has not been reported in the literature in individuals affected with PLCG2-related conditions. An algorithm developed to predict the effect of missense changes on protein structure and function (PolyPhen-2) suggests that this variant is likely to be disruptive. In summary, the available evidence is currently insufficient to determine the role of this variant in disease. Therefore, it has been classified as a Variant of Uncertain Significance.